The following is an entry in ClinVar:

NM_014727.3(KMT2B):c.3334+4C>T

Gene: KMT2B (lysine methyltransferase 2B; plus strand). Cytogenetic location: 19q13.12.
Variant type: single nucleotide variant.
Coding change: c.3334+4C>T on transcript NM_014727.3 (MANE Select); 4 bases into the intron after coding-DNA position 3334, C replaced by T.
Molecular consequence: intron variant.
Genome position (GRCh38, 1-based): chr19:35,724,011, C>T. VCF-style: chr19-35724011-C-T. GRCh37 (hg19) VCF-style: chr19-36214912-C-T.
Identifiers: ClinVar variation 3711426 (VCV003711426.2).
Genomic context (GRCh38, chr19:35,724,011, plus strand): 5'-ATGACTCGGAGCCCGGGGGCCCCCCTGCTCCTCGGCGTCGGACCCCCCGAGAAAATGGTG[C>T]GAACTGCTTAATGCTTTCTCTGTTGATCATTTATTTGGTCTTGTGTCTTTTGTGTAGGAG-3'

ClinVar aggregate classification (germline): Uncertain significance (1 of 4 stars; one submission).

gnomAD v4.1: 42 of 1,579,068 alleles (0.0027%); highest among the groups gnomAD compares: East Asian, 0.0045%; no homozygotes.

Submission:

Labcorp Genetics (formerly Invitae), Labcorp
Classification: Uncertain significance. Last evaluated: 2024-06-19. Review status: criteria provided, single submitter. Criteria: Invitae Variant Classification Sherloc (09022015). Collection method: clinical testing. Allele origin: germline.
Comment: This sequence change falls in intron 8 of the KMT2B gene. It does not directly change the encoded amino acid sequence of the KMT2B protein. It affects a nucleotide within the consensus splice site. The frequency data for this variant in the population databases is considered unreliable, as metrics indicate poor data quality at this position in the gnomAD database. This variant has not been reported in the literature in individuals affected with KMT2B-related conditions. Variants that disrupt the consensus splice site are a relatively common cause of aberrant splicing (PMID: 17576681, 9536098). Algorithms developed to predict the effect of sequence changes on RNA splicing suggest that this variant is not likely to affect RNA splicing. In summary, the available evidence is currently insufficient to determine the role of this variant in disease. Therefore, it has been classified as a Variant of Uncertain Significance.

Literature cited by the submitters: PubMed 17576681; PubMed 9536098.